The following is an entry in ClinVar:

ClinVar aggregate classification (germline): Uncertain significance (1 of 4 stars; one submission).

Allele frequency attached by ClinVar (database versions not stated): ExAC 0.00001.
gnomAD v4.1: 3 of 1,606,878 alleles (0.00019%); highest among the groups gnomAD compares: South Asian, 0.0011%; no homozygotes.

Submission:

Labcorp Genetics (formerly Invitae), Labcorp
Classification: Uncertain significance. Last evaluated: 2025-01-23. Review status: criteria provided, single submitter. Criteria: Invitae Variant Classification Sherloc (09022015). Collection method: clinical testing. Allele origin: germline.
Comment: This sequence change falls in intron 8 of the ARHGEF1 gene. It does not directly change the encoded amino acid sequence of the ARHGEF1 protein. It affects a nucleotide within the consensus splice site. This variant is present in population databases (rs371827282, gnomAD 0.006%). This variant has not been reported in the literature in individuals affected with ARHGEF1-related conditions. ClinVar contains an entry for this variant (Variation ID: 1916338). Variants that disrupt the consensus splice site are a relatively common cause of aberrant splicing (PMID: 17576681, 9536098). Algorithms developed to predict the effect of sequence changes on RNA splicing suggest that this variant is not likely to affect RNA splicing. In summary, the available evidence is currently insufficient to determine the role of this variant in disease. Therefore, it has been classified as a Variant of Uncertain Significance.

Literature cited by the submitters: PubMed 17576681; PubMed 9536098.

NM_004706.4(ARHGEF1):c.644+5G>T

Gene: ARHGEF1 (Rho guanine nucleotide exchange factor 1; plus strand). Cytogenetic location: 19q13.2.
Variant type: single nucleotide variant.
Coding change: c.644+5G>T on transcript NM_004706.4 (MANE Select); 5 bases into the intron after coding-DNA position 644, G replaced by T.
Molecular consequence: intron variant.
Genome position (GRCh38, 1-based): chr19:41,893,308, G>T. VCF-style: chr19-41893308-G-T. GRCh37 (hg19) VCF-style: chr19-42397379-G-T.
Other names: c.644+5G>T (NM_001396003.1, NM_001396000.1, NM_001396006.1); c.545+5G>T (NM_001396002.1, NM_198977.2, NM_001396004.1); c.689+5G>T (NM_199002.2).
Identifiers: ClinVar variation 1916338 (VCV001916338.5), dbSNP rs371827282, ClinGen allele CA9465986.